The following is an entry in ClinVar:

NM_001614.5(ACTG1):c.486G>A (p.Thr162=)

Gene: ACTG1 (actin gamma 1; minus strand). Cytogenetic location: 17q25.3.
Variant type: single nucleotide variant.
Coding change: c.486G>A on transcript NM_001614.5 (MANE Select); coding-DNA position 486, G replaced by A.
Protein change: p.Thr162=; no amino-acid change (threonine 162 retained).
Molecular consequence: synonymous variant. On other transcripts: non-coding transcript variant (1).
Genome position (GRCh38, 1-based): chr17:81,511,504, C>T on the plus strand (G>A on the coding strand, the complement: ACTG1 is on the minus strand). VCF-style: chr17-81511504-C-T. GRCh37 (hg19) VCF-style: chr17-79478530-C-T.
Other names: c.486G>A, p.Thr162= (NM_001199954.3).
Identifiers: ClinVar variation 379385 (VCV000379385.34), dbSNP rs782442814, ClinGen allele CA8836064.

ClinVar aggregate classification (germline): Benign/Likely benign. Review status: criteria provided, multiple submitters, no conflicts (2 of 4 stars). 7 submissions from 6 submitters: Benign (3); Likely benign (3). 1 of the submissions does not count toward it. Last evaluated 2026-09-01.

Conditions:
Autosomal dominant nonsyndromic hearing loss 20. Identifiers: Orphanet 90635, MedGen C1858172, MONDO:0011480, OMIM 604717.
Baraitser-winter syndrome 2. Identifiers: Orphanet 2995, MedGen C3281235, MONDO:0013812, OMIM 614583.
ACTG1-related disorder. Also called: ACTG1-related condition; ACTG1-related disorders.

Allele frequency attached by ClinVar (database versions not stated): gnomAD 0.00008 and 0.00010; gnomAD exomes 0.00011 and 0.00020; TOPMed 0.00011; ExAC 0.00025.
gnomAD v4.1: 194 of 1,613,668 alleles (0.012%); highest among the groups gnomAD compares: Middle Eastern, 0.099%; no homozygotes.

Submissions (7):

CeGaT Center for Human Genetics Tuebingen
Classification: Likely benign. Last evaluated: 2026-09-01. Review status: criteria provided, single submitter. Criteria: CeGaT Center For Human Genetics Tuebingen Variant Classification Criteria Version 2. Collection method: clinical testing. Allele origin: germline. Affected: yes. Observed: 2 variant alleles.
Comment: ACTG1: BP4, BP7

Labcorp Genetics (formerly Invitae), Labcorp
Classification: Benign for Baraitser-winter syndrome 2; Autosomal dominant nonsyndromic hearing loss 20. Last evaluated: 2026-01-15. Review status: criteria provided, single submitter. Criteria: Invitae Variant Classification Sherloc (09022015). Collection method: clinical testing. Allele origin: germline.

Blueprint Genetics
Classification: Likely benign. Last evaluated: 2024-10-21. Review status: criteria provided, single submitter. Criteria: ACMG Guidelines, 2015. Collection method: clinical testing. Allele origin: germline.

Genome-Nilou Lab
Classification: Benign for Baraitser-winter syndrome 2. Last evaluated: 2021-12-05. Review status: criteria provided, single submitter. Criteria: ACMG Guidelines, 2015. Collection method: clinical testing. Allele origin: germline. Affected: no.

Genome-Nilou Lab
Classification: Benign for Autosomal dominant nonsyndromic hearing loss 20. Last evaluated: 2021-12-05. Review status: criteria provided, single submitter. Criteria: ACMG Guidelines, 2015. Collection method: clinical testing. Allele origin: germline. Affected: no.

GeneDx
Classification: Likely benign. Last evaluated: 2020-12-22. Review status: criteria provided, single submitter. Criteria: GeneDx Variant Classification Process June 2021. Collection method: clinical testing. Allele origin: germline. Affected: yes.

PreventionGenetics, part of Exact Sciences
Classification: Likely benign for ACTG1-related condition. Last evaluated: 2019-11-06. Review status: no assertion criteria provided. Collection method: clinical testing. Allele origin: germline. Not counted in ClinVar's aggregate classification.
Comment: This variant is classified as likely benign based on ACMG/AMP sequence variant interpretation guidelines (Richards et al. 2015 PMID: 25741868, with internal and published modifications).